The following is an entry in ClinVar:

NM_004960.4(FUS):c.487A>C (p.Ser163Arg)

Gene: FUS (FUS RNA binding protein; plus strand). Cytogenetic location: 16p11.2.
Variant type: single nucleotide variant.
Coding change: c.487A>C on transcript NM_004960.4 (MANE Select); coding-DNA position 487, A replaced by C.
Protein change: p.Ser163Arg; replaces serine 163 with arginine.
Molecular consequence: missense variant. On other transcripts: non-coding transcript variant (1).
Genome position (GRCh38, 1-based): chr16:31,184,360, A>C. VCF-style: chr16-31184360-A-C. GRCh37 (hg19) VCF-style: chr16-31195681-A-C.
Other names: c.484A>C, p.Ser162Arg (NM_001170634.1); c.487A>C, p.Ser163Arg (NM_001170937.1); short protein forms S162R, S163R.
Identifiers: ClinVar variation 4792719 (VCV004792719.1).

ClinVar aggregate classification (germline): Uncertain significance (1 of 4 stars; one submission).

Conditions:
Amyotrophic lateral sclerosis type 6. Also called: FUS-Related Amyotrophic Laterial Sclerosis; AMYOTROPHIC LATERAL SCLEROSIS 6 WITHOUT FRONTOTEMPORAL DEMENTIA; Amyotrophic lateral sclerosis 6, with or without frontotemporal dementia. Identifiers: Orphanet 275872, Orphanet 803, MedGen C2931786, MONDO:0011951, OMIM 608030.
Tremor, hereditary essential, 4 (ETM4). Identifiers: MedGen C3539195, MONDO:0013888, OMIM 614782.

Submission:

Labcorp Genetics (formerly Invitae), Labcorp
Classification: Uncertain significance for Tremor, hereditary essential, 4; Amyotrophic lateral sclerosis type 6. Last evaluated: 2025-12-21. Review status: criteria provided, single submitter. Criteria: Invitae Variant Classification Sherloc (09022015). Collection method: clinical testing. Allele origin: germline.
Comment: This sequence change replaces serine, which is neutral and polar, with arginine, which is basic and polar, at codon 163 of the FUS protein (p.Ser163Arg). This variant is not present in population databases (gnomAD no frequency). This missense change has been observed in individual(s) with clinical features of amyotrophic lateral sclerosis (internal data). Experimental studies and prediction algorithms are not available or were not evaluated, and the functional significance of this variant is currently unknown. In summary, the available evidence is currently insufficient to determine the role of this variant in disease. Therefore, it has been classified as a Variant of Uncertain Significance.